The following is an entry in ClinVar:

NM_000238.4(KCNH2):c.1754G>T (p.Trp585Leu)

Gene: KCNH2 (potassium voltage-gated channel subfamily H member 2; minus strand). Cytogenetic location: 7q36.1.
Variant type: single nucleotide variant.
Coding change: c.1754G>T on transcript NM_000238.4 (MANE Select); coding-DNA position 1754, G replaced by T.
Protein change: p.Trp585Leu; replaces tryptophan 585 with leucine.
Molecular consequence: missense variant.
Genome position (GRCh38, 1-based): chr7:150,951,639, C>A on the plus strand (G>T on the coding strand, the complement: KCNH2 is on the minus strand). VCF-style: chr7-150951639-C-A. GRCh37 (hg19) VCF-style: chr7-150648727-C-A.
Other names: p.W585L:TGG>TTG; c.734G>T, p.Trp245Leu (NM_001204798.2, NM_172057.3); c.1466G>T, p.Trp489Leu (NM_001406753.1, NM_001406756.1); c.1577G>T, p.Trp526Leu (NM_001406755.1); c.1454G>T, p.Trp485Leu (NM_001406757.1); c.1754G>T, p.Trp585Leu (NM_172056.3); short protein forms W245L, W585L, W485L, W489L, W526L.
Identifiers: ClinVar variation 200739 (VCV000200739.10), dbSNP rs794728484, ClinGen allele CA005401.
Genomic context (GRCh38, chr7:150,951,639, plus strand): 5'-GGGCCGCCCAGGCCGCTGCTGTTGTAGGGTTTGCCTATCTGGTCGCCCAGGTTGTGCAGC[C>A]AGCCGATGCGTGAGTCCATGTGTGGCTGCTCCATGTTGCCGATGGCGTACCAGATGCAGG-3'
Protein context (NP_000229.1, residues 575-595): EQPHMDSRIG[Trp585Leu]LHNLGDQIGK

ClinVar aggregate classification (germline): Conflicting classifications of pathogenicity. Review status: criteria provided, conflicting classifications (1 of 4 stars). 3 submissions from 3 submitters: Likely pathogenic (2); Uncertain significance (1). Last evaluated 2025-07-11.

Conditions:
Long QT syndrome (LQTS). Identifiers: MedGen C0023976, MeSH D008133, MONDO:0002442. Disease mechanism: loss of function. Inheritance: Various modes of inheritance.
Long QT syndrome 2 (LQT2). Identifiers: Orphanet 101016, Orphanet 768, MedGen C3150943, MONDO:0013367, OMIM 613688.

Submissions (3):

Victorian Clinical Genetics Services, Murdoch Childrens Research Institute
Classification: Likely pathogenic for Long QT syndrome 2. Last evaluated: 2025-07-11. Review status: criteria provided, single submitter. Criteria: ACMG Guidelines, 2015. Collection method: clinical testing. Allele origin: germline. Affected: no.
Comment: This variant is classified as Likely pathogenic. Evidence in support of pathogenic classification: Variant is absent from gnomAD (v2, v3 and v4); Other missense variant(s) comparable to the one identified in this case have moderate previous evidence for pathogenicity. p.(Trp585Cys) and p.(Trp585Arg) have been reported in individuals with long QT syndrome (PMIDs: 10973849, 19017345, 19716085). In addition, p.(Trp585Cys) has been classified as pathogenic by a clinical laboratory (ClinVar); Missense variant predicted to be damaging by in silico tool(s) or highly conserved with a major amino acid change. Additional information: Variant is predicted to result in a missense amino acid change from tryptophan to leucine; This gene is associated with autosomal dominant disease; Previous evidence of pathogenicity for this variant is inconclusive. It has been classified as a variant of uncertain significance and likely pathogenic by clinical laboratories (ClinVar); No published functional evidence has been identified for this variant; Variant is located in the annotated ion transport protein (DECIPHER); Dominant negative and loss of function are known mechanisms of disease in this gene and are associated with long QT syndrome 2 (MIM#613688). Gain of function is also a known mechanism associated with short QT syndrome 1 (MIM#609620) (OMIM, PMID: 10753933; PMID: 21777565); The condition associated with this gene has incomplete penetrance (PMID: 20301308).

Labcorp Genetics (formerly Invitae), Labcorp
Classification: Uncertain significance for Long QT syndrome. Last evaluated: 2021-08-09. Review status: criteria provided, single submitter. Criteria: Invitae Variant Classification Sherloc (09022015). Collection method: clinical testing. Allele origin: germline.
Comment: In summary, the available evidence is currently insufficient to determine the role of this variant in disease. Therefore, it has been classified as a Variant of Uncertain Significance. This sequence change replaces tryptophan with leucine at codon 585 of the KCNH2 protein (p.Trp585Leu). The tryptophan residue is highly conserved and there is a small physicochemical difference between tryptophan and leucine. This variant is not present in population databases (ExAC no frequency). This missense change has been observed in individual(s) with long QT syndrome (Invitae). ClinVar contains an entry for this variant (Variation ID: 200739). Algorithms developed to predict the effect of missense changes on protein structure and function are either unavailable or do not agree on the potential impact of this missense change (SIFT: "Tolerated"; PolyPhen-2: "Probably Damaging"; Align-GVGD: "Class C0"). This variant disrupts the p.Trp585 amino acid residue in KCNH2. Other variant(s) that disrupt this residue have been determined to be pathogenic (PMID: 10973849, 25417810; Invitae). This suggests that this residue is clinically significant, and that variants that disrupt this residue are likely to be disease-causing.

GeneDx
Classification: Likely pathogenic. Last evaluated: 2012-02-27. Review status: criteria provided, single submitter. Criteria: GeneDx Variant Classification (06012015). Collection method: clinical testing. Allele origin: germline. Affected: yes.
Comment: The Trp585Leu variant in the KCNH2 gene has not been reported previously as a disease-causing mutation or as a benign polymorphism, to our knowledge. Although Trp585Leu results in a conservative amino acid substitution of one non-polar amino acid with another, the substitution occurs at a position that is highly conserved throughout evolution. The NHLBI ESP Exome Variant Server reports that Trp585Leu was not observed in approximately 5,000 samples from individuals of European and African American backgrounds, indicating it is not a common benign variant in these populations. In silico analysis predicts Trp585Leu is probably damaging to the protein structure/function. Moreover, mutations in this codon (Trp585Cys) and nearby codons (Gly584Arg, Gly584Cys, Gly584Ser, Gly584Val, Gly590Val) have been reported in association with LQTS, further supporting the functional importance of this region of the protein. In summary, although Trp585Leu is a good candidate for a disease-causing mutation, we cannot unequivocally determine the clinical significance of this variant. The variant is found in LQT panel(s).

Literature cited by the submitters: PubMed 21777565 (cited by Victorian Clinical Genetics Services, Murdoch Childrens Research Institute); PubMed 19017345 (cited by Victorian Clinical Genetics Services, Murdoch Childrens Research Institute); PubMed 10753933 (cited by Victorian Clinical Genetics Services, Murdoch Childrens Research Institute); PubMed 19716085 (cited by Victorian Clinical Genetics Services, Murdoch Childrens Research Institute); PubMed 10973849 (cited by Victorian Clinical Genetics Services, Murdoch Childrens Research Institute and Labcorp Genetics (formerly Invitae), Labcorp); PubMed 20301308 (cited by Victorian Clinical Genetics Services, Murdoch Childrens Research Institute); PubMed 25417810 (cited by Labcorp Genetics (formerly Invitae), Labcorp).